The following is an entry in ClinVar:

NM_001371928.1(AHDC1):c.2032C>T (p.Arg678Trp)

Gene: AHDC1 (AT-hook DNA binding motif containing 1; minus strand). Cytogenetic location: 1p36.11.
Variant type: single nucleotide variant.
Coding change: c.2032C>T on transcript NM_001371928.1 (MANE Select); coding-DNA position 2032, C replaced by T.
Protein change: p.Arg678Trp; replaces arginine 678 with tryptophan.
Molecular consequence: missense variant.
Genome position (GRCh38, 1-based): chr1:27,550,084, G>A on the plus strand (C>T on the coding strand, the complement: AHDC1 is on the minus strand). VCF-style: chr1-27550084-G-A. GRCh37 (hg19) VCF-style: chr1-27876595-G-A.
Other names: c.2032C>T, p.Arg678Trp (NM_001029882.3); c.2032C>T (NM_001029882.2); short protein forms R678W.
Identifiers: ClinVar variation 587433 (VCV000587433.7), dbSNP rs1557663705, ClinGen allele CA339232827.
Genomic context (GRCh38, chr1:27,550,084, plus strand): 5'-TGCCCTCAAAGAAGTCACTGAAGGAGCATCGGGCTGACTTGGCCGCATGGCCCCCACCCC[G>A]GCCACCAAAACCGCCTGCTTTGCCCCCACGCCGCCGGAAGCCCTGCACACGATGCAGGAA-3'
Protein context (NP_001358857.1, residues 668-688): RGGKAGGFGG[Arg678Trp]GGGHAAKSAR

ClinVar aggregate classification (germline): Uncertain significance. Review status: criteria provided, multiple submitters, no conflicts (2 of 4 stars). 2 submissions from 2 submitters: Uncertain significance (2). Last evaluated 2021-01-20.

Conditions:
Inborn genetic diseases. Identifiers: MedGen C0950123, MeSH D030342.
AHDC1-related intellectual disability - obstructive sleep apnea - mild dysmorphism syndrome. Also called: Xia-Gibbs syndrome. Identifiers: Orphanet 412069, MedGen C4014419, MONDO:0014358, OMIM 615829.

Allele frequency attached by ClinVar (database versions not stated): gnomAD exomes below 0.00001.
gnomAD v4.1: 5 of 1,608,414 alleles (0.00031%); highest among the groups gnomAD compares: Non-Finnish European, 0.00017%; no homozygotes.

Submissions (2):

Ambry Genetics
Classification: Uncertain significance for Inborn genetic diseases. Last evaluated: 2021-01-20. Review status: criteria provided, single submitter. Criteria: Ambry Variant Classification Scheme 2023. Collection method: clinical testing. Allele origin: germline.
Comment: The c.2032C>T (p.R678W) alteration is located in exon 6 (coding exon 1) of the AHDC1 gene. This alteration results from a C to T substitution at nucleotide position 2032, causing the arginine (R) at amino acid position 678 to be replaced by a tryptophan (W). The p.R678W alteration is predicted to be tolerated by in silico analysis. Based on insufficient or conflicting evidence, the clinical significance of this alteration remains unclear.

Genomic Research Center, Shahid Beheshti University of Medical Sciences
Classification: Uncertain significance for Xia-Gibbs syndrome. Last evaluated: 2018-08-07. Review status: criteria provided, single submitter. Criteria: ACMG Guidelines, 2015. Collection method: clinical testing. Allele origin: inherited. Affected: yes. Observed: 1 variant allele.